The following is an entry in ClinVar:

NM_000057.4(BLM):c.3331A>G (p.Met1111Val)

Gene: BLM (BLM RecQ like helicase; plus strand). Cytogenetic location: 15q26.1.
Variant type: single nucleotide variant.
Coding change: c.3331A>G on transcript NM_000057.4 (MANE Select); coding-DNA position 3331, A replaced by G.
Protein change: p.Met1111Val; replaces methionine 1111 with valine.
Molecular consequence: missense variant.
Genome position (GRCh38, 1-based): chr15:90,798,310, A>G. VCF-style: chr15-90798310-A-G. GRCh37 (hg19) VCF-style: chr15-91341540-A-G.
Other names: c.3331A>G, p.Met1111Val (NM_001287246.2, NM_001287247.2); c.2206A>G, p.Met736Val (NM_001287248.2); c.3331A>G (NM_000057.2); short protein forms M1111V, M736V.
Identifiers: ClinVar variation 644435 (VCV000644435.14), dbSNP rs1169507483, ClinGen allele CA393847351.

ClinVar aggregate classification (germline): Uncertain significance. Review status: criteria provided, multiple submitters, no conflicts (2 of 4 stars). 3 submissions from 3 submitters: Uncertain significance (2). 1 of the submissions does not count toward it. Last evaluated 2025-11-05.

Conditions:
Bloom syndrome (BLM). Also called: Bloom-Torre-Machacek syndrome. Identifiers: Orphanet 125, MedGen C0005859, MONDO:0008876, OMIM 210900.
Hereditary cancer-predisposing syndrome. Also called: Neoplastic Syndromes, Hereditary; Tumor predisposition; Hereditary neoplastic syndrome; Hereditary Cancer Syndrome. Identifiers: Orphanet 140162, MedGen C0027672, MeSH D009386, MONDO:0015356.

Allele frequency attached by ClinVar (database versions not stated): gnomAD exomes below 0.00001 and 0.00001; gnomAD 0.00001; TOPMed 0.00001.

Submissions (3):

Labcorp Genetics (formerly Invitae), Labcorp
Classification: Uncertain significance for Bloom syndrome. Last evaluated: 2025-11-05. Review status: criteria provided, single submitter. Criteria: Invitae Variant Classification Sherloc (09022015). Collection method: clinical testing. Allele origin: germline.
Comment: This sequence change replaces methionine, which is neutral and non-polar, with valine, which is neutral and non-polar, at codon 1111 of the BLM protein (p.Met1111Val). This variant is present in population databases (no rsID available, gnomAD 0.0009%). This variant has not been reported in the literature in individuals affected with BLM-related conditions. ClinVar contains an entry for this variant (Variation ID: 644435). Invitae Evidence Modeling of protein sequence and biophysical properties (such as structural, functional, and spatial information, amino acid conservation, physicochemical variation, residue mobility, and thermodynamic stability) indicates that this missense variant is not expected to disrupt BLM protein function with a negative predictive value of 80%. In summary, the available evidence is currently insufficient to determine the role of this variant in disease. Therefore, it has been classified as a Variant of Uncertain Significance.

Ambry Genetics
Classification: Uncertain significance for Hereditary cancer-predisposing syndrome. Last evaluated: 2024-07-27. Review status: criteria provided, single submitter. Criteria: Ambry Variant Classification Scheme 2023. Collection method: clinical testing. Allele origin: germline.
Comment: The p.M1111V variant (also known as c.3331A>G), located in coding exon 16 of the BLM gene, results from an A to G substitution at nucleotide position 3331. The methionine at codon 1111 is replaced by valine, an amino acid with highly similar properties. This amino acid position is not well conserved in available vertebrate species. In addition, this alteration is predicted to be tolerated by in silico analysis. Since supporting evidence is limited at this time, the clinical significance of this alteration remains unclear.

Natera, Inc.
Classification: Uncertain significance for Bloom syndrome. Last evaluated: 2021-02-19. Review status: no assertion criteria provided. Collection method: clinical testing. Allele origin: germline. Not counted in ClinVar's aggregate classification.